The following is an entry in ClinVar:

NM_152713.5(STT3A):c.1005T>A (p.Asp335Glu)

Gene: STT3A (STT3 oligosaccharyltransferase complex catalytic subunit A; plus strand). Cytogenetic location: 11q24.2.
Variant type: single nucleotide variant.
Coding change: c.1005T>A on transcript NM_152713.5 (MANE Select); coding-DNA position 1005, T replaced by A.
Protein change: p.Asp335Glu; replaces aspartic acid 335 with glutamic acid.
Molecular consequence: missense variant.
Genome position (GRCh38, 1-based): chr11:125,609,477, T>A. VCF-style: chr11-125609477-T-A. GRCh37 (hg19) VCF-style: chr11-125479372-T-A.
Other names: c.1005T>A, p.Asp335Glu (NM_001278503.2); c.729T>A, p.Asp243Glu (NM_001278504.2); short protein forms D243E, D335E.
Identifiers: ClinVar variation 3382851 (VCV003382851.2).

ClinVar aggregate classification (germline): Uncertain significance (1 of 4 stars; one submission).

Conditions:
Congenital disorder of glycosylation, type Iw, autosomal dominant (CDG1WAD). Identifiers: MedGen C5562068, MONDO:0859223, OMIM 619714.

Submission:

Juno Genomics, Hangzhou Juno Genomics, Inc
Classification: Uncertain significance for Congenital disorder of glycosylation, type Iw, autosomal dominant. Review status: criteria provided, single submitter. Criteria: ACMG Guidelines, 2015. Collection method: clinical testing. Allele origin: germline. Affected: yes.
Comment: Absent from controls (or at extremely low frequency if recessive) in Genome Aggregation Database, Exome Sequencing Project, 1000 Genomes Project, or Exome Aggregation Consortium.;Multiple lines of computational evidence support a deleterious effect on the gene or gene product (conservation, evolutionary, splicing impact, etc).;Patient's phenotype or family history is highly specific for a disease with a single genetic etiology.;Missense variant in a gene that has a low rate of benign missense variation and where missense variants are a common mechanism of disease.